The following is an entry in ClinVar:

NM_001184.4(ATR):c.3692C>A (p.Ala1231Glu)

Gene: ATR (ATR checkpoint kinase; minus strand). Cytogenetic location: 3q23.
Variant type: single nucleotide variant.
Coding change: c.3692C>A on transcript NM_001184.4 (MANE Select); coding-DNA position 3692, C replaced by A.
Protein change: p.Ala1231Glu; replaces alanine 1231 with glutamic acid.
Molecular consequence: missense variant.
Genome position (GRCh38, 1-based): chr3:142,538,515, G>T on the plus strand (C>A on the coding strand, the complement: ATR is on the minus strand). VCF-style: chr3-142538515-G-T. GRCh37 (hg19) VCF-style: chr3-142257357-G-T.
Other names: c.3500C>A, p.Ala1167Glu (NM_001354579.2); short protein forms A1167E, A1231E.
Identifiers: ClinVar variation 3221137 (VCV003221137.1), dbSNP rs1304683324, ClinGen allele CA354807433.

ClinVar aggregate classification (germline): Uncertain significance (1 of 4 stars; one submission).

Conditions:
Inborn genetic diseases. Identifiers: MedGen C0950123, MeSH D030342.

Submission:

Ambry Genetics
Classification: Uncertain significance for Inborn genetic diseases. Last evaluated: 2024-03-09. Review status: criteria provided, single submitter. Criteria: Ambry Variant Classification Scheme 2023. Collection method: clinical testing. Allele origin: germline.
Comment: The p.A1231E variant (also known as c.3692C>A), located in coding exon 19 of the ATR gene, results from a C to A substitution at nucleotide position 3692. The alanine at codon 1231 is replaced by glutamic acid, an amino acid with dissimilar properties. This amino acid position is conserved. In addition, this alteration is predicted to be tolerated by in silico analysis. Based on the available evidence, the clinical significance of this alteration remains unclear.